The following is an entry in ClinVar:

NM_001018115.3(FANCD2):c.4281+172G>A

Genes: FANCD2 (FA complementation group D2; plus strand), FANCD2OS (FANCD2 opposite strand; minus strand). Cytogenetic location: 3p25.3.
Variant type: single nucleotide variant.
Coding change: c.4281+172G>A on transcript NM_001018115.3 (MANE Select); 172 bases into the intron after coding-DNA position 4281, G replaced by A.
Molecular consequence: intron variant. On other transcripts: 3 prime UTR variant (2).
Genome position (GRCh38, 1-based): chr3:10,098,987, G>A. VCF-style: chr3-10098987-G-A. GRCh37 (hg19) VCF-style: chr3-10140671-G-A.
Other names: c.*37G>A (NM_001374254.1, NM_033084.6); c.4281+172G>A (NM_001319984.2); c.4170+172G>A (NM_001374253.1); c.*43+5211C>T (NM_173472.2).
Identifiers: ClinVar variation 342381 (VCV000342381.12), dbSNP rs7626117, ClinGen allele CA2250696.

ClinVar aggregate classification (germline): Benign. Review status: criteria provided, multiple submitters, no conflicts (2 of 4 stars). 4 submissions from 4 submitters: Benign (4). Last evaluated 2022-04-19.

Conditions:
Hereditary breast ovarian cancer syndrome. Also called: Hereditary breast and/or ovarian cancer syndrome; BRCA1- and BRCA2-Associated Hereditary Breast and Ovarian Cancer; Hereditary breast and ovarian cancer syndrome; Breast and ovarian cancer; Hereditary breast and ovarian cancer; Hereditary breast and ovarian cancer syndrome (HBOC). Identifiers: Orphanet 145, MedGen C0677776, MeSH D061325, MONDO:0003582. Disease mechanism: loss of function.
Fanconi anemia complementation group D2. Also called: FANCD2-Related Fanconi Anemia; FANCONI PANCYTOPENIA, TYPE 4; FANCONI ANEMIA, COMPLEMENTATION GROUP D. Identifiers: Orphanet 84, MedGen C3160738, MONDO:0009214, OMIM 227646.

Allele frequency attached by ClinVar (database versions not stated): gnomAD exomes 0.19817 and 0.21831; ExAC 0.22854; 1000 Genomes Project 30x 0.36134; ESP Exome Variant Server 0.37335; gnomAD 0.35108 and 0.33858; TOPMed 0.36253; 1000 Genomes Project 0.34525.
gnomAD v4.1: 342,063 of 1,613,564 alleles (21%); highest among the groups gnomAD compares: African/African-American, 76%; 49,051 homozygotes.

Submissions (4):

National Health Laboratory Service, Universitas Academic Hospital and University of the Free State
Classification: Benign for Hereditary breast ovarian cancer syndrome. Last evaluated: 2022-04-19. Review status: criteria provided, single submitter. Criteria: ACMG Guidelines, 2015. Collection method: clinical testing. Allele origin: germline. Affected: yes. Observed: 231 variant alleles.

GeneDx
Classification: Benign. Last evaluated: 2019-02-11. Review status: criteria provided, single submitter. Criteria: GeneDx Variant Classification Process June 2021. Collection method: clinical testing. Allele origin: germline. Affected: yes.

Illumina Laboratory Services, Illumina
Classification: Benign for Fanconi anemia complementation group D2. Last evaluated: 2018-01-13. Review status: criteria provided, single submitter. Criteria: ICSL Variant Classification Criteria 13 December 2019. Collection method: clinical testing. Allele origin: germline.
Comment: This variant was observed in the ICSL laboratory as part of a predisposition screen in an ostensibly healthy population. It had not been previously curated by ICSL or reported in the Human Gene Mutation Database (HGMD: prior to June 1st, 2018), and was therefore a candidate for classification through an automated scoring system. Utilizing variant allele frequency, disease prevalence and penetrance estimates, and inheritance mode, an automated score was calculated to assess if this variant is too frequent to cause the disease. Based on the score and internal cut-off values, a variant classified as benign is not then subjected to further curation. The score for this variant resulted in a classification of benign for this disease.

Breakthrough Genomics
Classification: Benign. Review status: criteria provided, single submitter. Criteria: ACMG Guidelines, 2015. Collection method: not provided. Allele origin: germline. Inheritance: Autosomal recessive inheritance. Affected: yes.